The following is an entry in ClinVar:

NM_013266.4(CTNNA3):c.2550G>A (p.Met850Ile)

Gene: CTNNA3 (catenin alpha 3; minus strand). Cytogenetic location: 10q21.3.
Variant type: single nucleotide variant.
Coding change: c.2550G>A on transcript NM_013266.4 (MANE Select); coding-DNA position 2550, G replaced by A.
Protein change: p.Met850Ile; replaces methionine 850 with isoleucine.
Molecular consequence: missense variant.
Genome position (GRCh38, 1-based): chr10:65,920,468, C>T on the plus strand (G>A on the coding strand, the complement: CTNNA3 is on the minus strand). VCF-style: chr10-65920468-C-T. GRCh37 (hg19) VCF-style: chr10-67680226-C-T.
Other names: c.2550G>A, p.Met850Ile (NM_001127384.3); short protein forms M850I.
Identifiers: ClinVar variation 1026514 (VCV001026514.8), dbSNP rs138237676, ClinGen allele CA5519558.
Genomic context (GRCh38, chr10:65,920,468, plus strand): 5'-AGCTGCACACGTTTCCTCTGGCTTCTCTCTTTTAATCAAGGGTTTTTTTGCAGGAGCCTT[C>T]ATTCTCCACATCACAACTGGGTGCCGGGGCCCAGCAGGACTCTGGATTCGGATGATCTTG-3'
Protein context (NP_037398.2, residues 840-860): GPRHPVVMWR[Met850Ile]KAPAKKPLIK

ClinVar aggregate classification (germline): Conflicting classifications of pathogenicity. Review status: criteria provided, conflicting classifications (1 of 4 stars). 3 submissions from 3 submitters: Uncertain significance (2); Likely benign (1). Last evaluated 2025-11-09.

Conditions:
Arrhythmogenic right ventricular dysplasia 13. Also called: ARRHYTHMOGENIC RIGHT VENTRICULAR CARDIOMYOPATHY 13; Arrhythmogenic right ventricular dysplasia, familial, 13. Identifiers: MedGen C3810138, MONDO:0000908, OMIM 615616.

Allele frequency attached by ClinVar (database versions not stated): gnomAD exomes 0.00006 and 0.00009; ExAC 0.00008; TOPMed 0.00008; gnomAD 0.00009 and 0.00010; ESP Exome Variant Server 0.00015.
gnomAD v4.1: 150 of 1,614,118 alleles (0.0093%); highest among the groups gnomAD compares: Middle Eastern, 0.082%; no homozygotes.

Submissions (3):

Labcorp Genetics (formerly Invitae), Labcorp
Classification: Uncertain significance for Arrhythmogenic right ventricular dysplasia 13. Last evaluated: 2025-11-09. Review status: criteria provided, single submitter. Criteria: Invitae Variant Classification Sherloc (09022015). Collection method: clinical testing. Allele origin: germline.
Comment: This sequence change replaces methionine, which is neutral and non-polar, with isoleucine, which is neutral and non-polar, at codon 850 of the CTNNA3 protein (p.Met850Ile). This variant is present in population databases (rs138237676, gnomAD 0.01%). This variant has not been reported in the literature in individuals affected with CTNNA3-related conditions. ClinVar contains an entry for this variant (Variation ID: 1026514). Invitae Evidence Modeling of protein sequence and biophysical properties (such as structural, functional, and spatial information, amino acid conservation, physicochemical variation, residue mobility, and thermodynamic stability) indicates that this missense variant is not expected to disrupt CTNNA3 protein function with a negative predictive value of 80%. In summary, the available evidence is currently insufficient to determine the role of this variant in disease. Therefore, it has been classified as a Variant of Uncertain Significance.

Blueprint Genetics
Classification: Likely benign. Last evaluated: 2024-07-16. Review status: criteria provided, single submitter. Criteria: ACMG Guidelines, 2015. Collection method: clinical testing. Allele origin: germline.

Breakthrough Genomics
Classification: Uncertain significance. Review status: criteria provided, single submitter. Criteria: ACMG Guidelines, 2015. Collection method: not provided. Allele origin: germline. Inheritance: Autosomal dominant inheritance. Affected: yes.